The following is an entry in ClinVar:

ClinVar aggregate classification (germline): Pathogenic. Review status: criteria provided, multiple submitters, no conflicts (2 of 4 stars). 3 submissions from 3 submitters: Pathogenic (3). Last evaluated 2025-10-10.

Conditions:
Combined oxidative phosphorylation defect type 14. Also called: Combined oxidative phosphorylation deficiency 14. Identifiers: Orphanet 319519, MedGen C4755312, MONDO:0013986, OMIM 614946.
FARS2-related disorder. Also called: FARS2-related condition; FARS2-related disorders.

Allele frequency attached by ClinVar (database versions not stated): gnomAD 0.00001; gnomAD exomes 0.00001; TOPMed 0.00001.

Submissions (3):

Labcorp Genetics (formerly Invitae), Labcorp
Classification: Pathogenic for Combined oxidative phosphorylation defect type 14. Last evaluated: 2025-10-10. Review status: criteria provided, single submitter. Criteria: Invitae Variant Classification Sherloc (09022015). Collection method: clinical testing. Allele origin: germline.
Comment: This sequence change creates a premature translational stop signal (p.Gln216*) in the FARS2 gene. It is expected to result in an absent or disrupted protein product. Loss-of-function variants in FARS2 are known to be pathogenic (PMID: 22833457). The frequency data for this variant in the population databases is considered unreliable, as metrics indicate poor data quality at this position in the gnomAD database. This premature translational stop signal has been observed in individual(s) with spastic paraplegia (PMID: 30250868). ClinVar contains an entry for this variant (Variation ID: 389162). For these reasons, this variant has been classified as Pathogenic.

PreventionGenetics, part of Exact Sciences
Classification: Pathogenic for FARS2-related condition. Last evaluated: 2023-01-06. Review status: criteria provided, single submitter. Criteria: ACMG Guidelines, 2015. Collection method: clinical testing. Allele origin: germline.
Comment: The FARS2 c.646C>T variant is predicted to result in premature protein termination (p.Gln216*). In the compound heterozygous condition along with a second variant in FARS2, this variant was reported in an individual with spastic paraplegia (Sahai et al 2018. PubMed ID: 30250868). This variant is reported in 0.0023% of alleles in individuals of European (Non-Finnish) descent in gnomAD. In ClinVar, this variant is interpreted as pathogenic. Nonsense variants in FARS2 are expected to be pathogenic. This variant is interpreted as pathogenic.

GeneDx
Classification: Pathogenic. Last evaluated: 2022-09-06. Review status: criteria provided, single submitter. Criteria: GeneDx Variant Classification Process June 2021. Collection method: clinical testing. Allele origin: germline. Affected: yes.
Comment: Nonsense variant predicted to result in protein truncation or nonsense mediated decay in a gene for which loss of function is a known mechanism of disease; Not observed at significant frequency in large population cohorts (gnomAD); This variant is associated with the following publications: (PMID: 34426522, 30250868)

Literature cited by the submitters: PubMed 22833457 (cited by Labcorp Genetics (formerly Invitae), Labcorp); PubMed 30250868 (cited by Labcorp Genetics (formerly Invitae), Labcorp).

NM_006567.5(FARS2):c.646C>T (p.Gln216Ter)

Gene: FARS2 (phenylalanyl-tRNA synthetase 2, mitochondrial; plus strand). Cytogenetic location: 6p25.1.
Variant type: single nucleotide variant.
Coding change: c.646C>T on transcript NM_006567.5 (MANE Select); coding-DNA position 646, C replaced by T.
Protein change: p.Gln216Ter; replaces glutamine 216 with a stop codon.
Molecular consequence: nonsense. On other transcripts: 5 prime UTR variant (2).
Genome position (GRCh38, 1-based): chr6:5,404,575, C>T. VCF-style: chr6-5404575-C-T. GRCh37 (hg19) VCF-style: chr6-5404808-C-T.
Other names: c.646C>T (NM_006567.4); c.646C>T, p.Gln216Ter (NM_001318872.2, NM_001374875.1, NM_001374876.1 and 5 more transcripts); c.-51C>T (NM_001375259.1, NM_001375260.1); short protein forms Q216*.
Identifiers: ClinVar variation 389162 (VCV000389162.12), dbSNP rs1057523346, ClinGen allele CA16605065.